The following is an entry in ClinVar:

NM_005337.5(NCKAP1L):c.2969C>T (p.Pro990Leu)

Gene: NCKAP1L (NCK associated protein 1 like; plus strand). Cytogenetic location: 12q13.2.
Variant type: single nucleotide variant.
Coding change: c.2969C>T on transcript NM_005337.5 (MANE Select); coding-DNA position 2969, C replaced by T.
Protein change: p.Pro990Leu; replaces proline 990 with leucine.
Molecular consequence: missense variant.
Genome position (GRCh38, 1-based): chr12:54,536,141, C>T. VCF-style: chr12-54536141-C-T. GRCh37 (hg19) VCF-style: chr12-54929925-C-T.
Other names: c.2819C>T, p.Pro940Leu (NM_001184976.2); short protein forms P990L, P940L.
Identifiers: ClinVar variation 2009184 (VCV002009184.4), dbSNP rs1177703684, ClinGen allele CA385144425.

ClinVar aggregate classification (germline): Uncertain significance (1 of 4 stars; one submission).

Submission:

Labcorp Genetics (formerly Invitae), Labcorp
Classification: Uncertain significance. Last evaluated: 2022-09-07. Review status: criteria provided, single submitter. Criteria: Invitae Variant Classification Sherloc (09022015). Collection method: clinical testing. Allele origin: germline.
Comment: Algorithms developed to predict the effect of missense changes on protein structure and function output the following: SIFT: "Tolerated"; PolyPhen-2: "Benign"; Align-GVGD: "Class C0". The leucine amino acid residue is found in multiple mammalian species, which suggests that this missense change does not adversely affect protein function. This variant has not been reported in the literature in individuals affected with NCKAP1L-related conditions. This variant is not present in population databases (gnomAD no frequency). This sequence change replaces proline, which is neutral and non-polar, with leucine, which is neutral and non-polar, at codon 990 of the NCKAP1L protein (p.Pro990Leu). In summary, the available evidence is currently insufficient to determine the role of this variant in disease. Therefore, it has been classified as a Variant of Uncertain Significance.